The following is an entry in ClinVar:

NM_004456.5(EZH2):c.754C>T (p.Leu252Phe)

Gene: EZH2 (enhancer of zeste 2 polycomb repressive complex 2 subunit; minus strand). Cytogenetic location: 7q36.1.
Variant type: single nucleotide variant.
Coding change: c.754C>T on transcript NM_004456.5 (MANE Select); coding-DNA position 754, C replaced by T.
Protein change: p.Leu252Phe; replaces leucine 252 with phenylalanine.
Molecular consequence: missense variant.
Genome position (GRCh38, 1-based): chr7:148,826,607, G>A on the plus strand (C>T on the coding strand, the complement: EZH2 is on the minus strand). VCF-style: chr7-148826607-G-A. GRCh37 (hg19) VCF-style: chr7-148523699-G-A.
Other names: c.754C>T, p.Leu252Phe (NM_001203247.2); c.727C>T, p.Leu243Phe (NM_001203248.2, NM_001203249.2); c.637C>T, p.Leu213Phe (NM_152998.3); short protein forms L243F, L213F, L252F.
Identifiers: ClinVar variation 1416257 (VCV001416257.8), dbSNP rs2129475548, ClinGen allele CA369719441.

ClinVar aggregate classification (germline): Uncertain significance (1 of 4 stars; one submission).

Conditions:
Weaver syndrome (WVS). Also called: Weaver Smith syndrome; Overgrowth syndrome with accelerated skeletal maturation, unusual facies, and camptodactyly. Identifiers: Orphanet 3447, MedGen C0265210, MONDO:0010193, OMIM 277590.

gnomAD v4.1: 1 of 1,548,070 alleles (0.000065%); highest among the groups gnomAD compares: Non-Finnish European, 0.000087%; no homozygotes.

Submission:

Labcorp Genetics (formerly Invitae), Labcorp
Classification: Uncertain significance for Weaver syndrome. Last evaluated: 2021-05-11. Review status: criteria provided, single submitter. Criteria: Invitae Variant Classification Sherloc (09022015). Collection method: clinical testing. Allele origin: germline.
Comment: Advanced modeling of protein sequence and biophysical properties (such as structural, functional, and spatial information, amino acid conservation, physicochemical variation, residue mobility, and thermodynamic stability) performed at Invitae indicates that this missense variant is not expected to disrupt EZH2 protein function. This sequence change replaces leucine with phenylalanine at codon 252 of the EZH2 protein (p.Leu252Phe). The leucine residue is moderately conserved and there is a small physicochemical difference between leucine and phenylalanine. This variant is not present in population databases (ExAC no frequency). This variant has not been reported in the literature in individuals with EZH2-related conditions. In summary, the available evidence is currently insufficient to determine the role of this variant in disease. Therefore, it has been classified as a Variant of Uncertain Significance.